The following is an entry in ClinVar:

NM_014425.5(INVS):c.2844_2848del (p.Asp949fs)

Gene: INVS (inversin; plus strand). Cytogenetic location: 9q31.1.
Variant type: Deletion.
Coding change: c.2844_2848del on transcript NM_014425.5 (MANE Select); coding-DNA positions 2844 to 2848, 5 bases deleted (AGATG; older notation c.2844_2848delAGATG).
Protein change: p.Asp949fs; shifts the reading frame from aspartic acid 949.
Molecular consequence: frameshift variant. On other transcripts: non-coding transcript variant (1).
Genome position (GRCh38, 1-based): chr9:100,296,974-100,296,978, AGATG deleted; deleting any 5 consecutive bases within chr9:100,296,973-100,296,978 gives the same sequence; the c. name uses the placement nearest the transcript's 3' end. VCF-style (leftmost placement, unchanged base first): chr9-100296972-GGAGAT-G. GRCh37 (hg19) VCF-style: chr9-103059254-GGAGAT-G.
Other names: c.2556_2560del, p.Asp853fs (NM_001318381.2); c.1866_1870del, p.Asp623fs (NM_001318382.2); short protein forms D623fs, D853fs, D949fs.
Identifiers: ClinVar variation 2893508 (VCV002893508.3), dbSNP rs772665481, ClinGen allele CA5158724.

ClinVar aggregate classification (germline): Pathogenic (1 of 4 stars; one submission).

Conditions:
Nephronophthisis. Also called: Juvenile Nephronophthisis. Identifiers: Orphanet 655, MedGen C0687120, MONDO:0019005, HP:0000090.

Submission:

Labcorp Genetics (formerly Invitae), Labcorp
Classification: Pathogenic for Nephronophthisis. Last evaluated: 2023-11-18. Review status: criteria provided, single submitter. Criteria: Invitae Variant Classification Sherloc (09022015). Collection method: clinical testing. Allele origin: germline.
Comment: This sequence change creates a premature translational stop signal (p.Asp949Glyfs*52) in the INVS gene. It is expected to result in an absent or disrupted protein product. Loss-of-function variants in INVS are known to be pathogenic (PMID: 12872123). This variant is present in population databases (rs772665481, gnomAD 0.007%). This variant has not been reported in the literature in individuals affected with INVS-related conditions. For these reasons, this variant has been classified as Pathogenic.

Literature cited by the submitters: PubMed 12872123.